The following is an entry in ClinVar:

ClinVar aggregate classification (germline): Uncertain significance (1 of 4 stars; one submission).

Conditions:
Developmental delay with or without intellectual impairment or behavioral abnormalities. Identifiers: MedGen C5562004, MONDO:0859199, OMIM 619575.

Submission:

Institute of Human Genetics, University of Leipzig Medical Center
Classification: Uncertain significance for Developmental delay with or without intellectual impairment or behavioral abnormalities. Last evaluated: 2022-08-11. Review status: criteria provided, single submitter. Criteria: ACMG Guidelines, 2015. Collection method: clinical testing. Allele origin: unknown. Affected: yes.
Comment: _x000D_ Criteria applied: PM4, PM2_SUP

NM_020791.4:c.(832+1_833-1)_(1575+1_1576-1)del

Gene: TAOK1 (TAO kinase 1; plus strand).
Variant type: Deletion.
Other names: c.(832+1_833-1)_(1575+1_1576-1)del (NM_020791.4).
Identifiers: ClinVar variation 1707512 (VCV001707512.1).